The following is an entry in ClinVar:

NM_004304.5(ALK):c.4012G>A (p.Val1338Ile)

Gene: ALK (ALK receptor tyrosine kinase; minus strand). Cytogenetic location: 2p23.2.
Variant type: single nucleotide variant.
Coding change: c.4012G>A on transcript NM_004304.5 (MANE Select); coding-DNA position 4012, G replaced by A.
Protein change: p.Val1338Ile; replaces valine 1338 with isoleucine.
Molecular consequence: missense variant.
Genome position (GRCh38, 1-based): chr2:29,197,603, C>T on the plus strand (G>A on the coding strand, the complement: ALK is on the minus strand). VCF-style: chr2-29197603-C-T. GRCh37 (hg19) VCF-style: chr2-29420469-C-T.
Other names: c.808G>A, p.Val270Ile (NM_001353765.2); short protein forms V1338I, V270I.
Identifiers: ClinVar variation 1715889 (VCV001715889.5), dbSNP rs1573084680, ClinGen allele CA346466097.

ClinVar aggregate classification (germline): Uncertain significance (1 of 4 stars; one submission).

Conditions:
Neuroblastoma, susceptibility to, 3. Also called: ALK-Related Neuroblastic Tumor Susceptibility. Identifiers: Orphanet 635, MedGen C2751681, MONDO:0013083, OMIM 613014.

gnomAD v4.1: 1 of 1,613,992 alleles (0.000062%); highest among the groups gnomAD compares: African/African-American, 0.0013%; no homozygotes.

Submission:

Labcorp Genetics (formerly Invitae), Labcorp
Classification: Uncertain significance for Neuroblastoma, susceptibility to, 3. Last evaluated: 2022-08-09. Review status: criteria provided, single submitter. Criteria: Invitae Variant Classification Sherloc (09022015). Collection method: clinical testing. Allele origin: germline.
Comment: This sequence change replaces valine, which is neutral and non-polar, with isoleucine, which is neutral and non-polar, at codon 1338 of the ALK protein (p.Val1338Ile). In summary, the available evidence is currently insufficient to determine the role of this variant in disease. Therefore, it has been classified as a Variant of Uncertain Significance. Algorithms developed to predict the effect of missense changes on protein structure and function are either unavailable or do not agree on the potential impact of this missense change (SIFT: "Deleterious"; PolyPhen-2: "Possibly Damaging"; Align-GVGD: "Class C0"). This variant has not been reported in the literature in individuals affected with ALK-related conditions. This variant is not present in population databases (gnomAD no frequency).